The following is an entry in ClinVar:

NM_030665.4(RAI1):c.5380G>A (p.Glu1794Lys)

Gene: RAI1 (retinoic acid induced 1; plus strand). Cytogenetic location: 17p11.2.
Variant type: single nucleotide variant.
Coding change: c.5380G>A on transcript NM_030665.4 (MANE Select); coding-DNA position 5380, G replaced by A.
Protein change: p.Glu1794Lys; replaces glutamic acid 1794 with lysine.
Molecular consequence: missense variant.
Genome position (GRCh38, 1-based): chr17:17,798,328, G>A. VCF-style: chr17-17798328-G-A. GRCh37 (hg19) VCF-style: chr17-17701642-G-A.
Other names: c.5380G>A (NM_030665.3); short protein forms E1794K.
Identifiers: ClinVar variation 1471573 (VCV001471573.8), dbSNP rs559171909, ClinGen allele CA288372005.
Genomic context (GRCh38, chr17:17,798,328, plus strand): 5'-CGGGGCCTGTCCCGGAGGCTGCAGAGCTGCTACTGCTGTGATGGCCGGGAGGATGGGGGC[G>A]AGGAGGCAGCCCCAGCCGACAAGGGTCGCAAACATGAGTGCAGCAAGGAGGCTCCGGCAG-3'
Protein context (NP_109590.3, residues 1784-1804): YCCDGREDGG[Glu1794Lys]EAAPADKGRK

ClinVar aggregate classification (germline): Uncertain significance. Review status: criteria provided, multiple submitters, no conflicts (2 of 4 stars). 2 submissions from 2 submitters: Uncertain significance (2). Last evaluated 2026-05-08.

Conditions:
RAI1-related disorder. Also called: RAI1-related condition.

Allele frequency attached by ClinVar (database versions not stated): TOPMed below 0.00001; gnomAD exomes 0.00001.
gnomAD v4.1: 9 of 1,599,160 alleles (0.00056%); highest among the groups gnomAD compares: Middle Eastern, 0.017%; no homozygotes.

Submissions (2):

PreventionGenetics, part of Exact Sciences
Classification: Uncertain significance for RAI1-related condition. Last evaluated: 2026-05-08. Review status: criteria provided, single submitter. Criteria: ACMG Guidelines, 2015. Collection method: clinical testing. Allele origin: germline.
Comment: The RAI1 c.5380G>A variant is predicted to result in the amino acid substitution p.Glu1794Lys. To our knowledge, this variant has not been reported in the literature. This variant is reported in 0.0% of alleles in individuals of African descent in gnomAD. At this time, the clinical significance of this variant is uncertain due to the absence of conclusive functional and genetic evidence.

Labcorp Genetics (formerly Invitae), Labcorp
Classification: Uncertain significance. Last evaluated: 2023-07-09. Review status: criteria provided, single submitter. Criteria: Invitae Variant Classification Sherloc (09022015). Collection method: clinical testing. Allele origin: germline.
Comment: This variant has not been reported in the literature in individuals affected with RAI1-related conditions. This variant is not present in population databases (gnomAD no frequency). This sequence change replaces glutamic acid, which is acidic and polar, with lysine, which is basic and polar, at codon 1794 of the RAI1 protein (p.Glu1794Lys). ClinVar contains an entry for this variant (Variation ID: 1471573). In summary, the available evidence is currently insufficient to determine the role of this variant in disease. Therefore, it has been classified as a Variant of Uncertain Significance. Advanced modeling of protein sequence and biophysical properties (such as structural, functional, and spatial information, amino acid conservation, physicochemical variation, residue mobility, and thermodynamic stability) performed at Invitae indicates that this missense variant is not expected to disrupt RAI1 protein function.